The following is an entry in ClinVar:

NM_004974.4(KCNA2):c.989T>G (p.Leu330Arg)

Gene: KCNA2 (potassium voltage-gated channel subfamily A member 2; minus strand). Cytogenetic location: 1p13.3.
Variant type: single nucleotide variant.
Coding change: c.989T>G on transcript NM_004974.4 (MANE Select); coding-DNA position 989, T replaced by G.
Protein change: p.Leu330Arg; replaces leucine 330 with arginine.
Molecular consequence: missense variant. On other transcripts: intron variant (1).
Genome position (GRCh38, 1-based): chr1:110,603,794, A>C on the plus strand (T>G on the coding strand, the complement: KCNA2 is on the minus strand). VCF-style: chr1-110603794-A-C. GRCh37 (hg19) VCF-style: chr1-111146416-A-C.
Other names: c.894+95T>G (NM_001204269.2); short protein forms L330R.
Identifiers: ClinVar variation 390269 (VCV000390269.2), dbSNP rs1057523703, ClinGen allele CA16603393.
Genomic context (GRCh38, chr1:110,603,794, plus strand): 5'-TCTGCAAAATACACAGCACTAGAGAAAAGGATGACCCCTATGAAGAGAAAGAATATCAGG[A>C]GGCCCAATTCTCTCATGCTGGCTTTGAGGGTCTGACCTAGAATCTGGAGACCTTTGGAGT-3'
Protein context (NP_004965.1, residues 320-340): TLKASMRELG[Leu330Arg]LIFFLFIGVI

ClinVar aggregate classification (germline): Likely pathogenic (1 of 4 stars; one submission).

Submission:

GeneDx
Classification: Likely pathogenic. Last evaluated: 2016-11-18. Review status: criteria provided, single submitter. Criteria: GeneDx Variant Classification (06012015). Collection method: clinical testing. Allele origin: germline. Affected: yes.
Comment: The L330R variant in the KCNA2 gene has not been reported previously as a pathogenic variant, noras a benign variant, to our knowledge. The L330R variant was not observed in approximately 6500individuals of European and African American ancestry in the NHLBI Exome Sequencing Project,indicating it is not a common benign variant in these populations. The L330R variant is anon-conservative amino acid substitution, which occurs at a position that is conserved across species.In silico analysis predicts this variant is probably damaging to the protein structure/function.TheL330R variant is a strong candidate for a pathogenic variant